The following is an entry in ClinVar:

NM_002087.4(GRN):c.202T>C (p.Ser68Pro)

Gene: GRN (granulin precursor; plus strand). Cytogenetic location: 17q21.31.
Variant type: single nucleotide variant.
Coding change: c.202T>C on transcript NM_002087.4 (MANE Select); coding-DNA position 202, T replaced by C.
Protein change: p.Ser68Pro; replaces serine 68 with proline.
Molecular consequence: missense variant.
Genome position (GRCh38, 1-based): chr17:44,349,489, T>C. VCF-style: chr17-44349489-T-C. GRCh37 (hg19) VCF-style: chr17-42426857-T-C.
Other names: short protein forms S68P.
Identifiers: ClinVar variation 3758553 (VCV003758553.3).

ClinVar aggregate classification (germline): Uncertain significance. Review status: criteria provided, multiple submitters, no conflicts (2 of 4 stars). 2 submissions from 2 submitters: Uncertain significance (2). Last evaluated 2024-03-01.

Conditions:
GRN-related frontotemporal lobar degeneration with Tdp43 inclusions (FTD2). Also called: DEMENTIA, HEREDITARY DYSPHASIC DISINHIBITION; FRONTOTEMPORAL LOBAR DEGENERATION WITH UBIQUITIN-POSITIVE INCLUSIONS; FTLD-TDP, GRN-RELATED; GRN Frontotemporal Dementia; FRONTOTEMPORAL DEMENTIA WITH TDP43 INCLUSIONS, GRN-RELATED. Identifiers: Orphanet 100070, Orphanet 282, MedGen C1843792, MONDO:0011842, OMIM 607485. Disease mechanism: loss of function.
Neuronal ceroid lipofuscinosis 11. Also called: GRN-Related Neuronal Ceroid-Lipofuscinosis. Identifiers: Orphanet 314629, Orphanet 79262, MedGen C3539123, MONDO:0013866, OMIM 614706.

gnomAD v4.1: 25 of 1,614,162 alleles (0.0015%); highest among the groups gnomAD compares: South Asian, 0.024%; no homozygotes.

Submissions (2):

Labcorp Genetics (formerly Invitae), Labcorp
Classification: Uncertain significance for Neuronal ceroid lipofuscinosis 11; GRN-related frontotemporal lobar degeneration with Tdp43 inclusions. Last evaluated: 2024-03-01. Review status: criteria provided, single submitter. Criteria: Invitae Variant Classification Sherloc (09022015). Collection method: clinical testing. Allele origin: germline.
Comment: This sequence change replaces serine, which is neutral and polar, with proline, which is neutral and non-polar, at codon 68 of the GRN protein (p.Ser68Pro). This variant is present in population databases (rs745376236, gnomAD 0.02%). This variant has not been reported in the literature in individuals affected with GRN-related conditions. Algorithms developed to predict the effect of missense changes on protein structure and function output the following: SIFT: "Not Available"; PolyPhen-2: "Benign"; Align-GVGD: "Not Available". The proline amino acid residue is found in multiple mammalian species, which suggests that this missense change does not adversely affect protein function. In summary, the available evidence is currently insufficient to determine the role of this variant in disease. Therefore, it has been classified as a Variant of Uncertain Significance.

Blueprint Genetics
Classification: Uncertain significance. Last evaluated: 2020-05-25. Review status: criteria provided, single submitter. Criteria: ACMG Guidelines, 2015. Collection method: clinical testing. Allele origin: germline.